The following is an entry in ClinVar:

NM_000059.4(BRCA2):c.476-1G>C

Gene: BRCA2 (BRCA2 DNA repair associated; plus strand). Cytogenetic location: 13q13.1.
Variant type: single nucleotide variant.
Coding change: c.476-1G>C on transcript NM_000059.4 (MANE Select); the canonical splice acceptor site of the intron before coding-DNA position 476, G replaced by C.
Molecular consequence: splice acceptor variant.
Genome position (GRCh38, 1-based): chr13:32,326,241, G>C. VCF-style: chr13-32326241-G-C. GRCh37 (hg19) VCF-style: chr13-32900378-G-C.
Other names: c.476-1G>C (NM_001406720.1, NM_001406719.1, NM_001406721.1); c.107-1G>C (NM_001406722.1).
Identifiers: ClinVar variation 575454 (VCV000575454.8), dbSNP rs397507340, ClinGen allele CA387757602.

ClinVar aggregate classification (germline): Pathogenic. Review status: criteria provided, multiple submitters, no conflicts (2 of 4 stars). 2 submissions from 2 submitters: Pathogenic (2). Last evaluated 2026-04-21.

Conditions:
Hereditary breast ovarian cancer syndrome. Also called: BRCA1- and BRCA2-Associated Hereditary Breast and Ovarian Cancer; Breast and ovarian cancer; Hereditary breast and ovarian cancer; Hereditary breast and ovarian cancer syndrome (HBOC); Hereditary breast and ovarian cancer syndrome; Hereditary breast and/or ovarian cancer syndrome. Identifiers: Orphanet 145, MedGen C0677776, MeSH D061325, MONDO:0003582. Disease mechanism: loss of function.
Inherited breast cancer and ovarian cancer.

Submissions (2):

Genomics and Molecular Medicine Service, East Genomic Laboratory Hub, NHS Genomic Medicine Service
Classification: Pathogenic for Inherited breast cancer and ovarian cancer. Last evaluated: 2026-04-21. Review status: criteria provided, single submitter. Criteria: ACGS Best Practice Guidelines for Variant Classification in Rare Disease 2020. Collection method: clinical testing. Allele origin: germline. Affected: yes.
Comment: PVS1,PM2

Labcorp Genetics (formerly Invitae), Labcorp
Classification: Pathogenic for Hereditary breast ovarian cancer syndrome. Last evaluated: 2022-11-15. Review status: criteria provided, single submitter. Criteria: Invitae Variant Classification Sherloc (09022015). Collection method: clinical testing. Allele origin: germline.
Comment: This sequence change affects an acceptor splice site in intron 5 of the BRCA2 gene. It is expected to disrupt RNA splicing. Variants that disrupt the donor or acceptor splice site typically lead to a loss of protein function (PMID: 16199547), and loss-of-function variants in BRCA2 are known to be pathogenic (PMID: 20104584). This variant is not present in population databases (gnomAD no frequency). Disruption of this splice site has been observed in individual(s) with triple negative breast cancer (PMID: 22666503). ClinVar contains an entry for this variant (Variation ID: 575454). Based on a multifactorial likelihood algorithm using genetic, in silico, and/or statistical data, this variant has been determined to have a high probability of being pathogenic (PMID: 17924331, 21990134). Studies have shown that disruption of this splice site alters mRNA splicing and is expected to lead to the loss of protein expression (PMID: 23451180, 30883759, 32398771). For these reasons, this variant has been classified as Pathogenic.

Literature cited by the submitters: PubMed 16199547 (cited by Labcorp Genetics (formerly Invitae), Labcorp); PubMed 20104584 (cited by Labcorp Genetics (formerly Invitae), Labcorp); PubMed 22666503 (cited by Labcorp Genetics (formerly Invitae), Labcorp); PubMed 17924331 (cited by Labcorp Genetics (formerly Invitae), Labcorp); PubMed 21990134 (cited by Labcorp Genetics (formerly Invitae), Labcorp); PubMed 23451180 (cited by Labcorp Genetics (formerly Invitae), Labcorp); PubMed 30883759 (cited by Labcorp Genetics (formerly Invitae), Labcorp); PubMed 32398771 (cited by Labcorp Genetics (formerly Invitae), Labcorp).